The following is an entry in ClinVar:

ClinVar aggregate classification (germline): Likely benign. Review status: criteria provided, single submitter (1 of 4 stars). 2 submissions from 2 submitters: Likely benign (1). 1 of the submissions does not count toward it. Last evaluated 2024-11-26.

Conditions:
MNX1-related disorder. Also called: MNX1-related condition.

Submissions (2):

Blueprint Genetics
Classification: Likely benign. Last evaluated: 2024-11-26. Review status: criteria provided, single submitter. Criteria: ACMG Guidelines, 2015. Collection method: clinical testing. Allele origin: germline.

PreventionGenetics, part of Exact Sciences
Classification: Likely benign for MNX1-related condition. Last evaluated: 2020-03-10. Review status: no assertion criteria provided. Collection method: clinical testing. Allele origin: germline. Not counted in ClinVar's aggregate classification.
Comment: This variant is classified as likely benign based on ACMG/AMP sequence variant interpretation guidelines (Richards et al. 2015 PMID: 25741868, with internal and published modifications).

NM_005515.4(MNX1):c.504GGC[4] (p.Ala174del)

Genes: MNX1 (motor neuron and pancreas homeobox 1; minus strand), LOC129999735 (ATAC-STARR-seq lymphoblastoid silent region 18857; plus strand). Cytogenetic location: 7q36.3.
Variant type: Microsatellite.
Coding change: c.504GGC[4] on transcript NM_005515.4 (MANE Select); four copies in a row of the 3-base unit GGC starting at c.504; the reference has five copies in a row; one copy, 3 bases deleted.
Protein change: p.Ala174del; deletes alanine 174.
Genome position (GRCh38, 1-based): chr7:157,009,833-157,009,835, GCC deleted on the plus strand (GGC on the coding strand, the reverse complement: MNX1 is on the minus strand); deleting any 3 consecutive bases within chr7:157,009,833-157,009,849 gives the same sequence; the position shown is the placement nearest the transcript's 3' end. VCF-style (leftmost placement, unchanged base first): chr7-157009832-AGCC-A. GRCh37 (hg19) VCF-style: chr7-156802526-AGCC-A.
Other names: short protein forms A174del.
Identifiers: ClinVar variation 3037794 (VCV003037794.3), dbSNP rs748208450, ClinGen allele CA4589283.